The following is an entry in ClinVar:

ClinVar aggregate classification (germline): Uncertain significance (1 of 4 stars; one submission).

Submission:

Labcorp Genetics (formerly Invitae), Labcorp
Classification: Uncertain significance. Last evaluated: 2026-01-19. Review status: criteria provided, single submitter. Criteria: Invitae Variant Classification Sherloc (09022015). Collection method: clinical testing. Allele origin: germline.
Comment: This sequence change replaces leucine, which is neutral and non-polar, with proline, which is neutral and non-polar, at codon 174 of the EIF2B5 protein (p.Leu174Pro). This variant is not present in population databases (gnomAD no frequency). This variant has not been reported in the literature in individuals affected with EIF2B5-related conditions. ClinVar contains an entry for this variant (Variation ID: 1997744). Invitae Evidence Modeling of protein sequence and biophysical properties (such as structural, functional, and spatial information, amino acid conservation, physicochemical variation, residue mobility, and thermodynamic stability) has been performed for this missense variant. However, the output from this modeling did not meet the statistical confidence thresholds required to predict the impact of this variant on EIF2B5 protein function. In summary, the available evidence is currently insufficient to determine the role of this variant in disease. Therefore, it has been classified as a Variant of Uncertain Significance.

NM_003907.3(EIF2B5):c.521T>C (p.Leu174Pro)

Gene: EIF2B5 (eukaryotic translation initiation factor 2B subunit epsilon; plus strand). Cytogenetic location: 3q27.1.
Variant type: single nucleotide variant.
Coding change: c.521T>C on transcript NM_003907.3 (MANE Select); coding-DNA position 521, T replaced by C.
Protein change: p.Leu174Pro; replaces leucine 174 with proline.
Molecular consequence: missense variant.
Genome position (GRCh38, 1-based): chr3:184,137,912, T>C. VCF-style: chr3-184137912-T-C. GRCh37 (hg19) VCF-style: chr3-183855700-T-C.
Other names: short protein forms L174P.
Identifiers: ClinVar variation 1997744 (VCV001997744.4), dbSNP rs2473661491, ClinGen allele CA355382148.
Genomic context (GRCh38, chr3:184,137,912, plus strand): 5'-CCCTGAGACTGCTTTTTTGCAGTTCTGTCCCTCCTGTCCTTTATAGGTTGAGACGGAAGC[T>C]AGAAAAAAATGTTTCTGTGATGACGATGATCTTCAAGGAGTCATCCCCCAGCCACCCAAC-3'
Protein context (NP_003898.2, residues 164-184): ALEEHRLRRK[Leu174Pro]EKNVSVMTMI